The following is an entry in ClinVar:

ClinVar aggregate classification (germline): Uncertain significance (1 of 4 stars; one submission).

Conditions:
Intellectual developmental disorder, autosomal dominant 1. Also called: Intellectual disability, autosomal dominant 1; MBD5 Haploinsufficiency. Identifiers: Orphanet 228402, MedGen C1969562, MONDO:0007974, OMIM 156200.

Allele frequency attached by ClinVar (database versions not stated): TOPMed below 0.00001; ExAC 0.00001; gnomAD exomes below 0.00001.
gnomAD v4.1: 1 of 1,613,910 alleles (0.000062%); highest among the groups gnomAD compares: Non-Finnish European, 0.000085%; no homozygotes.

Submission:

Labcorp Genetics (formerly Invitae), Labcorp
Classification: Uncertain significance for Intellectual developmental disorder, autosomal dominant 1. Last evaluated: 2022-07-12. Review status: criteria provided, single submitter. Criteria: Invitae Variant Classification Sherloc (09022015). Collection method: clinical testing. Allele origin: germline.
Comment: In summary, the available evidence is currently insufficient to determine the role of this variant in disease. Therefore, it has been classified as a Variant of Uncertain Significance. Algorithms developed to predict the effect of missense changes on protein structure and function are either unavailable or do not agree on the potential impact of this missense change (SIFT: "Deleterious"; PolyPhen-2: "Benign"; Align-GVGD: "Class C55"). ClinVar contains an entry for this variant (Variation ID: 1406764). This variant has not been reported in the literature in individuals affected with MBD5-related conditions. This variant is present in population databases (rs762417251, gnomAD 0.0009%). This sequence change replaces threonine, which is neutral and polar, with alanine, which is neutral and non-polar, at codon 510 of the MBD5 protein (p.Thr510Ala).

NM_001378120.1(MBD5):c.1528A>G (p.Thr510Ala)

Gene: MBD5 (methyl-CpG binding domain protein 5; plus strand). Cytogenetic location: 2q23.1.
Variant type: single nucleotide variant.
Coding change: c.1528A>G on transcript NM_001378120.1 (MANE Select); coding-DNA position 1528, A replaced by G.
Protein change: p.Thr510Ala; replaces threonine 510 with alanine.
Molecular consequence: missense variant.
Genome position (GRCh38, 1-based): chr2:148,469,471, A>G. VCF-style: chr2-148469471-A-G. GRCh37 (hg19) VCF-style: chr2-149227040-A-G.
Other names: c.1528A>G, p.Thr510Ala (NM_018328.5); short protein forms T510A.
Identifiers: ClinVar variation 1406764 (VCV001406764.6), dbSNP rs762417251, ClinGen allele CA1900023.